The following is an entry in ClinVar:

NM_000254.3(MTR):c.2299G>C (p.Glu767Gln)

Gene: MTR (5-methyltetrahydrofolate-homocysteine methyltransferase; plus strand). Cytogenetic location: 1q43.
Variant type: single nucleotide variant.
Coding change: c.2299G>C on transcript NM_000254.3 (MANE Select); coding-DNA position 2299, G replaced by C.
Protein change: p.Glu767Gln; replaces glutamic acid 767 with glutamine.
Molecular consequence: missense variant.
Genome position (GRCh38, 1-based): chr1:236,862,338, G>C. VCF-style: chr1-236862338-G-C. GRCh37 (hg19) VCF-style: chr1-237025638-G-C.
Other names: c.2146G>C, p.Glu716Gln (NM_001291939.1); c.1078G>C, p.Glu360Gln (NM_001291940.2); c.2299G>C, p.Glu767Gln (NM_001410942.1); short protein forms E360Q, E716Q, E767Q.
Identifiers: ClinVar variation 2176171 (VCV002176171.4), dbSNP rs1051979463, ClinGen allele CA345378093.

ClinVar aggregate classification (germline): Uncertain significance (1 of 4 stars; one submission).

Conditions:
Methylcobalamin deficiency type cblG (HMAG). Also called: Functional methionine synthase deficiency type cblG; HOMOCYSTINURIA-MEGALOBLASTIC ANEMIA DUE TO DEFECT IN COBALAMIN METABOLISM, cblG COMPLEMENTATION TYPE; HOMOCYSTINURIA-MEGALOBLASTIC ANEMIA, cblG COMPLEMENTATION TYPE; HOMOCYSTINURIA-MEGALOBLASTIC ANEMIA, cblG TYPE. Identifiers: Orphanet 2170, Orphanet 622, MedGen C1855128, MONDO:0009609, OMIM 250940.

gnomAD v4.1: 7 of 1,612,386 alleles (0.00043%); highest among the groups gnomAD compares: Admixed American, 0.0083%; no homozygotes.

Submission:

Labcorp Genetics (formerly Invitae), Labcorp
Classification: Uncertain significance for Methylcobalamin deficiency type cblG. Last evaluated: 2024-01-24. Review status: criteria provided, single submitter. Criteria: Invitae Variant Classification Sherloc (09022015). Collection method: clinical testing. Allele origin: germline.
Comment: This sequence change replaces glutamic acid, which is acidic and polar, with glutamine, which is neutral and polar, at codon 767 of the MTR protein (p.Glu767Gln). This variant is present in population databases (no rsID available, gnomAD 0.003%). This variant has not been reported in the literature in individuals affected with MTR-related conditions. ClinVar contains an entry for this variant (Variation ID: 2176171). An algorithm developed to predict the effect of missense changes on protein structure and function (PolyPhen-2) suggests that this variant is likely to be tolerated. In summary, the available evidence is currently insufficient to determine the role of this variant in disease. Therefore, it has been classified as a Variant of Uncertain Significance.